The following is an entry in ClinVar:

ClinVar aggregate classification (germline): Uncertain significance (1 of 4 stars; one submission).

Allele frequency attached by ClinVar (database versions not stated): gnomAD exomes below 0.00001; gnomAD 0.00001.
gnomAD v4.1: 7 of 1,613,982 alleles (0.00043%); highest among the groups gnomAD compares: Middle Eastern, 0.016%; no homozygotes.

Submission:

Labcorp Genetics (formerly Invitae), Labcorp
Classification: Uncertain significance. Last evaluated: 2023-04-11. Review status: criteria provided, single submitter. Criteria: Invitae Variant Classification Sherloc (09022015). Collection method: clinical testing. Allele origin: germline.
Comment: In summary, the available evidence is currently insufficient to determine the role of this variant in disease. Therefore, it has been classified as a Variant of Uncertain Significance. Advanced modeling of protein sequence and biophysical properties (such as structural, functional, and spatial information, amino acid conservation, physicochemical variation, residue mobility, and thermodynamic stability) performed at Invitae indicates that this missense variant is not expected to disrupt NOTCH3 protein function. This variant has not been reported in the literature in individuals affected with NOTCH3-related conditions. This variant is not present in population databases (gnomAD no frequency). This sequence change replaces valine, which is neutral and non-polar, with alanine, which is neutral and non-polar, at codon 1183 of the NOTCH3 protein (p.Val1183Ala).

NM_000435.3(NOTCH3):c.3548T>C (p.Val1183Ala)

Gene: NOTCH3 (notch receptor 3; minus strand). Cytogenetic location: 19p13.12.
Variant type: single nucleotide variant.
Coding change: c.3548T>C on transcript NM_000435.3 (MANE Select); coding-DNA position 3548, T replaced by C.
Protein change: p.Val1183Ala; replaces valine 1183 with alanine.
Molecular consequence: missense variant.
Genome position (GRCh38, 1-based): chr19:15,179,195, A>G on the plus strand (T>C on the coding strand, the complement: NOTCH3 is on the minus strand). VCF-style: chr19-15179195-A-G. GRCh37 (hg19) VCF-style: chr19-15290006-A-G.
Other names: short protein forms V1183A.
Identifiers: ClinVar variation 2857974 (VCV002857974.1), dbSNP rs2046818091, ClinGen allele CA404511020.